The following is an entry in ClinVar:

NM_000083.3(CLCN1):c.2403+1047C>T

Gene: CLCN1 (chloride voltage-gated channel 1; plus strand). Cytogenetic location: 7q34.
Variant type: single nucleotide variant.
Coding change: c.2403+1047C>T on transcript NM_000083.3 (MANE Select); 1047 bases into the intron after coding-DNA position 2403, C replaced by T.
Molecular consequence: intron variant.
Genome position (GRCh38, 1-based): chr7:143,347,996, C>T. VCF-style: chr7-143347996-C-T. GRCh37 (hg19) VCF-style: chr7-143045089-C-T.
Identifiers: ClinVar variation 4891103 (VCV004891103.1).

ClinVar aggregate classification (germline): Uncertain significance (1 of 4 stars; one submission).

gnomAD v4.1: 6 of 152,114 alleles (0.0039%); highest among the groups gnomAD compares: Non-Finnish European, 0.0073%; no homozygotes.

Submission:

Greenwood Genetic Center Diagnostic Laboratories, Greenwood Genetic Center
Classification: Uncertain significance. Last evaluated: 2026-05-24. Review status: criteria provided, single submitter. Criteria: ACMG Guidelines, 2015. Collection method: clinical testing. Allele origin: germline.
Comment: PM2, BP4